The following is an entry in ClinVar:

ClinVar aggregate classification (germline): Pathogenic. Review status: criteria provided, multiple submitters, no conflicts (2 of 4 stars). 2 submissions from 2 submitters: Pathogenic (2). Last evaluated 2024-05-13.

Conditions:
Succinate-semialdehyde dehydrogenase deficiency (SSADHD). Also called: Succinic Semialdehyde Dehydrogenase Deficiency; 4-HYDROXYBUTYRIC ACIDURIA; GABA METABOLIC DEFECT; SSADH DEFICIENCY. Identifiers: Orphanet 22, MedGen C0268631, MONDO:0010083, OMIM 271980.

Submissions (2):

Elsea Laboratory, Baylor College of Medicine
Classification: Pathogenic for Succinate-semialdehyde dehydrogenase deficiency. Last evaluated: 2024-05-13. Review status: criteria provided, single submitter. Criteria: ACMG Guidelines, 2015. Collection method: clinical testing. Allele origin: germline. Affected: yes.
Comment: The c.111_122delinsG p.(Ala38GlyfsTer94) variant in the ALDH5A1 gene, is located in exon 1, and is predicted to result in frameshift and nonsense mediated mRNA decay. This variant has been observed in trans with a known pathogenic variant in one individual affected with succinic semialdehyde dehyrdogenase deficiency (Glinton, Gijavanekar et al., 2024, Frontiers in Neurogenomics). This variant is absent in gnomAD. Therefore this variant is classified as pathogenic. ACMG variant classification evidence codes: PVS1+PM2Supp+PM3+PP4

Labcorp Genetics (formerly Invitae), Labcorp
Classification: Pathogenic for Succinate-semialdehyde dehydrogenase deficiency. Last evaluated: 2023-07-17. Review status: criteria provided, single submitter. Criteria: Invitae Variant Classification Sherloc (09022015). Collection method: clinical testing. Allele origin: germline.
Comment: For these reasons, this variant has been classified as Pathogenic. This variant has not been reported in the literature in individuals affected with ALDH5A1-related conditions. This variant is not present in population databases (gnomAD no frequency). This sequence change creates a premature translational stop signal (p.Ala38Glyfs*94) in the ALDH5A1 gene. It is expected to result in an absent or disrupted protein product. Loss-of-function variants in ALDH5A1 are known to be pathogenic (PMID: 14635103).

Literature cited by the submitters: PubMed 14635103 (cited by Labcorp Genetics (formerly Invitae), Labcorp).

NM_001080.3(ALDH5A1):c.111_122delinsG (p.Ala38fs)

Genes: ALDH5A1 (aldehyde dehydrogenase 5 family member A1; plus strand), GPLD1 (glycosylphosphatidylinositol specific phospholipase D1; minus strand), LOC129995978 (ATAC-STARR-seq lymphoblastoid silent region 16989; plus strand). Cytogenetic location: 6p22.3.
Variant type: Indel.
Coding change: c.111_122delinsG on transcript NM_001080.3 (MANE Select); coding-DNA positions 111 to 122, TGCGCCCGGCCC replaced by G.
Protein change: p.Ala38fs; shifts the reading frame from alanine 38.
Molecular consequence: frameshift variant.
Genome position (GRCh38, 1-based): chr6:24,495,107-24,495,118, TGCGCCCGGCCC replaced by G. VCF-style: chr6-24495107-TGCGCCCGGCCC-G. GRCh37 (hg19) VCF-style: chr6-24495335-TGCGCCCGGCCC-G.
Other names: c.111_122delinsG, p.Ala38fs (NM_001368954.1, NM_170740.1); short protein forms A38fs.
Identifiers: ClinVar variation 2092333 (VCV002092333.5), dbSNP rs2532811480, ClinGen allele CA2580074244.